The following is an entry in ClinVar:

ClinVar aggregate classification (germline): Uncertain significance (1 of 4 stars; one submission).

Allele frequency attached by ClinVar (database versions not stated): gnomAD exomes below 0.00001.
gnomAD v4.1: 2 of 1,613,350 alleles (0.00012%); highest among the groups gnomAD compares: Non-Finnish European, 0.000085%; no homozygotes.

Submission:

Labcorp Genetics (formerly Invitae), Labcorp
Classification: Uncertain significance. Last evaluated: 2022-09-01. Review status: criteria provided, single submitter. Criteria: Invitae Variant Classification Sherloc (09022015). Collection method: clinical testing. Allele origin: germline.
Comment: This sequence change replaces valine, which is neutral and non-polar, with leucine, which is neutral and non-polar, at codon 238 of the AAAS protein (p.Val238Leu). This variant is not present in population databases (gnomAD no frequency). This variant has not been reported in the literature in individuals affected with AAAS-related conditions. ClinVar contains an entry for this variant (Variation ID: 1483313). Algorithms developed to predict the effect of missense changes on protein structure and function are either unavailable or do not agree on the potential impact of this missense change (SIFT: "Deleterious"; PolyPhen-2: "Benign"; Align-GVGD: "Class C0"). In summary, the available evidence is currently insufficient to determine the role of this variant in disease. Therefore, it has been classified as a Variant of Uncertain Significance.

NM_015665.6(AAAS):c.712G>C (p.Val238Leu)

Gene: AAAS (aladin WD repeat nucleoporin; minus strand). Cytogenetic location: 12q13.13.
Variant type: single nucleotide variant.
Coding change: c.712G>C on transcript NM_015665.6 (MANE Select); coding-DNA position 712, G replaced by C.
Protein change: p.Val238Leu; replaces valine 238 with leucine.
Molecular consequence: missense variant.
Genome position (GRCh38, 1-based): chr12:53,309,699, C>G on the plus strand (G>C on the coding strand, the complement: AAAS is on the minus strand). VCF-style: chr12-53309699-C-G. GRCh37 (hg19) VCF-style: chr12-53703483-C-G.
Other names: c.613G>C, p.Val205Leu (NM_001173466.2); short protein forms V205L, V238L.
Identifiers: ClinVar variation 1483313 (VCV001483313.3), dbSNP rs2121089852, ClinGen allele CA385042794.